The following is an entry in ClinVar:

NM_001378454.1(ALMS1):c.5848A>G (p.Ile1950Val)

Gene: ALMS1 (ALMS1 centrosome and basal body associated protein; plus strand). Cytogenetic location: 2p13.1.
Variant type: single nucleotide variant.
Coding change: c.5848A>G on transcript NM_001378454.1 (MANE Select); coding-DNA position 5848, A replaced by G.
Protein change: p.Ile1950Val; replaces isoleucine 1950 with valine.
Molecular consequence: missense variant.
Genome position (GRCh38, 1-based): chr2:73,452,375, A>G. VCF-style: chr2-73452375-A-G. GRCh37 (hg19) VCF-style: chr2-73679502-A-G.
Other names: c.5851A>G, p.Ile1951Val (NM_015120.4); short protein forms I1951V, I1950V.
Identifiers: ClinVar variation 553643 (VCV000553643.4), dbSNP rs140062566, ClinGen allele CA1713951.

ClinVar aggregate classification (germline): Uncertain significance. Review status: criteria provided, single submitter (1 of 4 stars). 2 submissions from 2 submitters: Uncertain significance (1). 1 of the submissions does not count toward it. Last evaluated 2022-06-15.

Conditions:
Alstrom syndrome (ALMS). Identifiers: Orphanet 64, MedGen C0268425, MONDO:0008763, OMIM 203800.

Allele frequency attached by ClinVar (database versions not stated): gnomAD 0.00001; ExAC 0.00002; 1000 Genomes Project 30x 0.00016; 1000 Genomes Project 0.00020.
gnomAD v4.1: 26 of 1,613,838 alleles (0.0016%); highest among the groups gnomAD compares: East Asian, 0.056%; no homozygotes.

Submissions (2):

Labcorp Genetics (formerly Invitae), Labcorp
Classification: Uncertain significance for Alstrom syndrome. Last evaluated: 2022-06-15. Review status: criteria provided, single submitter. Criteria: Invitae Variant Classification Sherloc (09022015). Collection method: clinical testing. Allele origin: germline.
Comment: This sequence change replaces isoleucine, which is neutral and non-polar, with valine, which is neutral and non-polar, at codon 1951 of the ALMS1 protein (p.Ile1951Val). This variant is not present in population databases (gnomAD no frequency). This variant has not been reported in the literature in individuals affected with ALMS1-related conditions. ClinVar contains an entry for this variant (Variation ID: 553643). Experimental studies and prediction algorithms are not available or were not evaluated, and the functional significance of this variant is currently unknown. In summary, the available evidence is currently insufficient to determine the role of this variant in disease. Therefore, it has been classified as a Variant of Uncertain Significance.

Counsyl
Classification: Uncertain significance for Alstrom syndrome. Last evaluated: 2017-09-01. Review status: no assertion criteria provided. Collection method: clinical testing. Allele origin: unknown. Not counted in ClinVar's aggregate classification.